The following is an entry in ClinVar:

NM_000095.3(COMP):c.1536GGT[1] (p.Val514del)

Gene: COMP (cartilage oligomeric matrix protein; minus strand). Cytogenetic location: 19p13.11.
Variant type: Microsatellite.
Coding change: c.1536GGT[1] on transcript NM_000095.3 (MANE Select); one copy of the 3-base unit GGT starting at c.1536; the reference has two copies in a row; one copy, 3 bases deleted.
Protein change: p.Val514del; deletes valine 514.
Genome position (GRCh38, 1-based): chr19:18,785,800-18,785,802, ACC deleted on the plus strand (GGT on the coding strand, the reverse complement: COMP is on the minus strand); deleting any 3 consecutive bases within chr19:18,785,800-18,785,805 gives the same sequence; the position shown is the placement nearest the transcript's 3' end. VCF-style (leftmost placement, unchanged base first): chr19-18785799-TACC-T. GRCh37 (hg19) VCF-style: chr19-18896609-TACC-T.
Other names: short protein forms V514del.
Identifiers: ClinVar variation 3658466 (VCV003658466.2).

ClinVar aggregate classification (germline): Uncertain significance (1 of 4 stars; one submission).

Submission:

Labcorp Genetics (formerly Invitae), Labcorp
Classification: Uncertain significance. Last evaluated: 2024-07-01. Review status: criteria provided, single submitter. Criteria: Invitae Variant Classification Sherloc (09022015). Collection method: clinical testing. Allele origin: germline.
Comment: This variant, c.1539_1541del, results in the deletion of 1 amino acid(s) of the COMP protein (p.Val514del), but otherwise preserves the integrity of the reading frame. This variant is not present in population databases (gnomAD no frequency). This variant has not been reported in the literature in individuals affected with COMP-related conditions. Experimental studies and prediction algorithms are not available or were not evaluated, and the functional significance of this variant is currently unknown. In summary, the available evidence is currently insufficient to determine the role of this variant in disease. Therefore, it has been classified as a Variant of Uncertain Significance.